The following is an entry in ClinVar:

ClinVar aggregate classification (germline): Benign/Likely benign. Review status: criteria provided, multiple submitters, no conflicts (2 of 4 stars). 9 submissions from 9 submitters: Benign (4); Likely benign (5). Last evaluated 2026-02-03.

Conditions:
Rhabdomyosarcoma, embryonal, 2 (RMSE2). Identifiers: MedGen C1867234, MONDO:0859046, OMIM 180295.
Euthyroid goiter (MNG1). Also called: Goiter, multinodular 1, with or without Sertoli-Leydig cell tumors; GOITER, NONTOXIC, WITH INTRATHYROIDAL CALCIFICATION; MULTINODULAR GOITER, ADOLESCENT; SIMPLE GOITER. Identifiers: Orphanet 276399, MedGen C0302859, MONDO:0007681, OMIM 138800, HP:0009798.
Pleuropulmonary blastoma (PPB). Identifiers: Orphanet 64742, MedGen C1266144, MONDO:0011014, OMIM 601200, HP:0100528.
Global developmental delay - lung cysts - overgrowth - Wilms tumor syndrome. Also called: GLOBAL DEVELOPMENTAL DELAY, LUNG CYSTS, OVERGROWTH, AND WILMS TUMOR; GLOW Syndrome. Identifiers: Orphanet 404476, MedGen C4748924, MONDO:0018445, OMIM 618272.
DICER1-related tumor predisposition. Also called: DICER1-related pleuropulmonary blastoma cancer predisposition syndrome; DICER1 syndrome. Identifiers: Orphanet 284343, MedGen C3839822, MONDO:0100216.
Hereditary cancer-predisposing syndrome. Also called: Hereditary Cancer Syndrome; Tumor predisposition; Neoplastic Syndromes, Hereditary; Hereditary neoplastic syndrome. Identifiers: Orphanet 140162, MedGen C0027672, MeSH D009386, MONDO:0015356.

Allele frequency attached by ClinVar (database versions not stated): ExAC 0.00027; gnomAD exomes 0.00028; 1000 Genomes Project 30x 0.00109; gnomAD 0.00111 and 0.00122; 1000 Genomes Project 0.00120; TOPMed 0.00124; ESP Exome Variant Server 0.00131.
gnomAD v4.1: 333 of 1,614,048 alleles (0.021%); highest among the groups gnomAD compares: African/African-American, 0.37%; no homozygotes.

Submissions (9):

Labcorp Genetics (formerly Invitae), Labcorp
Classification: Benign for DICER1-related tumor predisposition. Last evaluated: 2026-02-03. Review status: criteria provided, single submitter. Criteria: Invitae Variant Classification Sherloc (09022015). Collection method: clinical testing. Allele origin: germline.

Myriad Genetics, Inc.
Classification: Benign for DICER1-related tumor predisposition. Last evaluated: 2026-01-16. Review status: criteria provided, single submitter. Criteria: Myriad Autosomal Dominant, Autosomal Recessive and X-Linked Classification Criteria (2023). Collection method: clinical testing. Allele origin: unknown.
Comment: This variant is considered benign. This variant is intronic and is not expected to impact mRNA splicing. This variant has been observed at a population frequency that is significantly greater than expected given the associated disease prevalence and penetrance.

ARUP Laboratories, Molecular Genetics and Genomics, ARUP Laboratories
Classification: Likely benign. Last evaluated: 2025-05-06. Review status: criteria provided, single submitter. Criteria: ARUP Molecular Germline Variant Investigation Process 2024. Collection method: clinical testing. Allele origin: germline.

Blueprint Genetics
Classification: Likely benign. Last evaluated: 2024-11-20. Review status: criteria provided, single submitter. Criteria: ACMG Guidelines, 2015. Collection method: clinical testing. Allele origin: germline.

Fulgent Genetics
Classification: Likely benign for Euthyroid goiter; Rhabdomyosarcoma, embryonal, 2; Pleuropulmonary blastoma; Global developmental delay - lung cysts - overgrowth - Wilms tumor syndrome. Last evaluated: 2021-09-27. Review status: criteria provided, single submitter. Criteria: ACMG Guidelines, 2015. Collection method: clinical testing. Allele origin: unknown.

GeneDx
Classification: Likely benign. Last evaluated: 2021-03-24. Review status: criteria provided, single submitter. Criteria: GeneDx Variant Classification Process June 2021. Collection method: clinical testing. Allele origin: germline. Affected: yes.

Sema4
Classification: Benign for Hereditary cancer-predisposing syndrome. Last evaluated: 2020-09-10. Review status: criteria provided, single submitter. Criteria: Sema4 Curation Guidelines. Collection method: curation. Allele origin: germline.

Illumina Laboratory Services, Illumina
Classification: Benign for Pleuropulmonary blastoma. Last evaluated: 2018-01-13. Review status: criteria provided, single submitter. Criteria: ICSL Variant Classification Criteria 13 December 2019. Collection method: clinical testing. Allele origin: germline.
Comment: This variant was observed in the ICSL laboratory as part of a predisposition screen in an ostensibly healthy population. It had not been previously curated by ICSL or reported in the Human Gene Mutation Database (HGMD: prior to June 1st, 2018), and was therefore a candidate for classification through an automated scoring system. Utilizing variant allele frequency, disease prevalence and penetrance estimates, and inheritance mode, an automated score was calculated to assess if this variant is too frequent to cause the disease. Based on the score and internal cut-off values, a variant classified as benign is not then subjected to further curation. The score for this variant resulted in a classification of benign for this disease.

Breakthrough Genomics
Classification: Likely benign. Review status: criteria provided, single submitter. Criteria: ACMG Guidelines, 2015. Collection method: not provided. Allele origin: germline. Inheritance: Autosomal dominant inheritance. Affected: yes.

NM_177438.3(DICER1):c.5604-12G>A

Gene: DICER1 (dicer 1, ribonuclease III; minus strand). Cytogenetic location: 14q32.13.
Variant type: single nucleotide variant.
Coding change: c.5604-12G>A on transcript NM_177438.3 (MANE Select); 12 bases into the intron before coding-DNA position 5604, G replaced by A.
Molecular consequence: intron variant.
Genome position (GRCh38, 1-based): chr14:95,090,675, C>T on the plus strand (G>A on the coding strand, the complement: DICER1 is on the minus strand). VCF-style: chr14-95090675-C-T. GRCh37 (hg19) VCF-style: chr14-95557012-C-T.
Other names: c.5604-12G>A (NM_001271282.3, NM_001291628.2, NM_030621.4); c.5441-12G>A (NM_001195573.1).
Identifiers: ClinVar variation 885932 (VCV000885932.23), dbSNP rs149841885, ClinGen allele CA7330617.
Genomic context (GRCh38, chr14:95,090,675, plus strand): 5'-TACTTCCACAGTGACTCTGACCTTCCCGTCGTAAGTTCTCTCAGCCGGGCTGTAAAAAAT[C>T]CAAACAGCTTGAATTAGAAGTCAGAAGTATTTATTATCATTGTCAATCAGCATTTAGTGT-3'